The following is an entry in ClinVar:

NM_001165963.4(SCN1A):c.1198A>G (p.Met400Val)

Gene: SCN1A (sodium voltage-gated channel alpha subunit 1; minus strand). Cytogenetic location: 2q24.3.
Variant type: single nucleotide variant.
Coding change: c.1198A>G on transcript NM_001165963.4 (MANE Select); coding-DNA position 1198, A replaced by G.
Protein change: p.Met400Val; replaces methionine 400 with valine.
Molecular consequence: missense variant. On other transcripts: 5 prime UTR variant (1), non-coding transcript variant (1).
Genome position (GRCh38, 1-based): chr2:166,046,949, T>C on the plus strand (A>G on the coding strand, the complement: SCN1A is on the minus strand). VCF-style: chr2-166046949-T-C. GRCh37 (hg19) VCF-style: chr2-166903459-T-C.
Other names: c.1198A>G, p.Met400Val (NM_001353951.2, NM_001353952.2, NM_001353954.2 and 10 more transcripts); c.-1228A>G (NM_001353961.2); c.1198A>G (NM_001165963.1); short protein forms M400V.
Identifiers: ClinVar variation 2734311 (VCV002734311.4), dbSNP rs749663451, ClinGen allele CA349071001.

ClinVar aggregate classification (germline): Conflicting classifications of pathogenicity. Review status: criteria provided, conflicting classifications (1 of 4 stars). 2 submissions from 2 submitters: Likely pathogenic (1); Uncertain significance (1). Last evaluated 2024-10-29.

Conditions:
Early-infantile DEE. Also called: Early infantile epileptic encephalopathy; Early infantile epileptic encephalopathy with suppression bursts; Ohtahara syndrome. Identifiers: Orphanet 1934, MedGen C0393706, MONDO:0800491.

Submissions (2):

GeneDx
Classification: Uncertain significance. Last evaluated: 2024-10-29. Review status: criteria provided, single submitter. Criteria: GeneDx Variant Classification Process June 2021. Collection method: clinical testing. Allele origin: germline. Affected: yes.
Comment: This substitution is predicted to be within the transmembrane segment S6 of the first homologous domain; In silico analysis supports that this missense variant has a deleterious effect on protein structure/function; Not observed at significant frequency in large population cohorts (gnomAD); This variant is associated with the following publications: (PMID: 32090326, 25795284, 21248271)

Labcorp Genetics (formerly Invitae), Labcorp
Classification: Likely pathogenic for Early-infantile DEE. Last evaluated: 2023-06-16. Review status: criteria provided, single submitter. Criteria: Invitae Variant Classification Sherloc (09022015). Collection method: clinical testing. Allele origin: germline.
Comment: This sequence change replaces methionine, which is neutral and non-polar, with valine, which is neutral and non-polar, at codon 400 of the SCN1A protein (p.Met400Val). In summary, the currently available evidence indicates that the variant is pathogenic, but additional data are needed to prove that conclusively. Therefore, this variant has been classified as Likely Pathogenic. This variant disrupts the p.Met400 amino acid residue in SCN1A. Other variant(s) that disrupt this residue have been determined to be pathogenic (Invitae). This suggests that this residue is clinically significant, and that variants that disrupt this residue are likely to be disease-causing. Advanced modeling of protein sequence and biophysical properties (such as structural, functional, and spatial information, amino acid conservation, physicochemical variation, residue mobility, and thermodynamic stability) performed at Invitae indicates that this missense variant is expected to disrupt SCN1A protein function. This missense change has been observed in individual(s) with SCN1A-related conditions (PMID: 25795284). This variant is not present in population databases (gnomAD no frequency).

Literature cited by the submitters: PubMed 25795284 (cited by Labcorp Genetics (formerly Invitae), Labcorp).